The following is an entry in ClinVar:

ClinVar aggregate classification (germline): Pathogenic (1 of 4 stars; one submission).

Conditions:
Hereditary cancer-predisposing syndrome. Also called: Hereditary Cancer Syndrome; Neoplastic Syndromes, Hereditary; Tumor predisposition; Hereditary neoplastic syndrome. Identifiers: Orphanet 140162, MedGen C0027672, MeSH D009386, MONDO:0015356.

Submission:

Ambry Genetics
Classification: Pathogenic for Hereditary cancer-predisposing syndrome. Last evaluated: 2022-07-08. Review status: criteria provided, single submitter. Criteria: Ambry Variant Classification Scheme 2023. Collection method: clinical testing. Allele origin: germline.
Comment: The c.5090dupT pathogenic mutation, located in coding exon 10 of the BRCA2 gene, results from a duplication of T at nucleotide position 5090, causing a translational frameshift with a predicted alternate stop codon (p.F1698Ifs*2). This variant is considered to be rare based on population cohorts in the Genome Aggregation Database (gnomAD). This alteration is expected to result in loss of function by premature protein truncation or nonsense-mediated mRNA decay. As such, this alteration is interpreted as a disease-causing mutation.

NM_000059.4(BRCA2):c.5090dup (p.Phe1698fs)

Gene: BRCA2 (BRCA2 DNA repair associated; plus strand). Cytogenetic location: 13q13.1.
Variant type: Duplication.
Coding change: c.5090dup on transcript NM_000059.4 (MANE Select); coding-DNA position 5090, one base duplicated (T; older notation c.5090dupT).
Protein change: p.Phe1698fs; shifts the reading frame from phenylalanine 1698.
Molecular consequence: frameshift variant.
Genome position (GRCh38, 1-based): chr13:32,339,445, T duplicated. VCF-style (leftmost placement, unchanged base first): chr13-32339444-A-AT. GRCh37 (hg19) VCF-style: chr13-32913581-A-AT.
Other names: c.5090dup, p.Phe1698Ilefs (NM_001406719.1, NM_001406720.1); c.5090dupT (NM_000059.3); short protein forms F1698fs.
Identifiers: ClinVar variation 1745273 (VCV001745273.2), dbSNP rs2548530004, ClinGen allele CA2580087324.